The following is an entry in ClinVar:

NM_017654.4(SAMD9):c.1732G>T (p.Val578Leu)

Gene: SAMD9 (sterile alpha motif domain containing 9; minus strand). Cytogenetic location: 7q21.2.
Variant type: single nucleotide variant.
Coding change: c.1732G>T on transcript NM_017654.4 (MANE Select); coding-DNA position 1732, G replaced by T.
Protein change: p.Val578Leu; replaces valine 578 with leucine.
Molecular consequence: missense variant.
Genome position (GRCh38, 1-based): chr7:93,104,366, C>A on the plus strand (G>T on the coding strand, the complement: SAMD9 is on the minus strand). VCF-style: chr7-93104366-C-A. GRCh37 (hg19) VCF-style: chr7-92733679-C-A.
Other names: c.1732G>T, p.Val578Leu (NM_001193307.2); short protein forms V578L.
Identifiers: ClinVar variation 3316110 (VCV003316110.2).

ClinVar aggregate classification (germline): Uncertain significance (1 of 4 stars; one submission).

Conditions:
Inborn genetic diseases. Identifiers: MedGen C0950123, MeSH D030342.

gnomAD v4.1: 10 of 1,613,736 alleles (0.00062%); highest among the groups gnomAD compares: Non-Finnish European, 0.00085%; no homozygotes.

Submission:

Ambry Genetics
Classification: Uncertain significance for Inborn genetic diseases. Last evaluated: 2025-01-25. Review status: criteria provided, single submitter. Criteria: Ambry Variant Classification Scheme 2023. Collection method: clinical testing. Allele origin: germline.
Comment: The p.V578L variant (also known as c.1732G>T), located in coding exon 1 of the SAMD9 gene, results from a G to T substitution at nucleotide position 1732. The valine at codon 578 is replaced by leucine, an amino acid with highly similar properties. This amino acid position is conserved. In addition, this alteration is predicted to be tolerated by in silico analysis. Based on the available evidence, the clinical significance of this variant remains unclear.